The following is an entry in ClinVar:

NM_000059.4(BRCA2):c.2635T>A (p.Ser879Thr)

Gene: BRCA2 (BRCA2 DNA repair associated; plus strand). Cytogenetic location: 13q13.1.
Variant type: single nucleotide variant.
Coding change: c.2635T>A on transcript NM_000059.4 (MANE Select); coding-DNA position 2635, T replaced by A.
Protein change: p.Ser879Thr; replaces serine 879 with threonine.
Molecular consequence: missense variant. On other transcripts: non-coding transcript variant (1), intron variant (2).
Genome position (GRCh38, 1-based): chr13:32,336,990, T>A. VCF-style: chr13-32336990-T-A. GRCh37 (hg19) VCF-style: chr13-32911127-T-A.
Other names: c.2635T>A, p.Ser879Thr (NM_001406719.1, NM_001406720.1); c.1909+3603T>A (NM_001406721.1); c.424+5960T>A (NM_001406722.1); short protein forms S879T.
Identifiers: ClinVar variation 2451502 (VCV002451502.4), dbSNP rs753266636, ClinGen allele CA387773244.

ClinVar aggregate classification (germline): Uncertain significance. Review status: criteria provided, multiple submitters, no conflicts (2 of 4 stars). 3 submissions from 3 submitters: Uncertain significance (3). Last evaluated 2025-06-16.

Conditions:
Hereditary breast ovarian cancer syndrome. Also called: Hereditary breast and/or ovarian cancer syndrome; BRCA1- and BRCA2-Associated Hereditary Breast and Ovarian Cancer; Hereditary breast and ovarian cancer syndrome; Hereditary breast and ovarian cancer; Hereditary breast and ovarian cancer syndrome (HBOC); Breast and ovarian cancer. Identifiers: Orphanet 145, MedGen C0677776, MeSH D061325, MONDO:0003582. Disease mechanism: loss of function.
Hereditary cancer-predisposing syndrome. Also called: Neoplastic Syndromes, Hereditary; Tumor predisposition; Hereditary neoplastic syndrome; Hereditary Cancer Syndrome. Identifiers: Orphanet 140162, MedGen C0027672, MeSH D009386, MONDO:0015356.

Submissions (3):

Quest Diagnostics Nichols Institute San Juan Capistrano
Classification: Uncertain significance. Last evaluated: 2025-06-16. Review status: criteria provided, single submitter. Criteria: Quest Diagnostics criteria. Collection method: clinical testing. Allele origin: unknown.
Comment: The BRCA2 c.2635T>A (p.Ser879Thr) variant has been observed in the published literature in individuals with a personal and/or family history of breast and/or ovarian cancer (PMID: 33471991 (2021), 21120943 (2011), see also LOVD), as well as in a reportedly unaffected individual (PMID: 33471991 (2021), see also LOVD). This variant has not been reported in large, multi-ethnic general populations (Genome Aggregation Database). Analysis of this variant using bioinformatics tools for the prediction of the effect of amino acid changes on protein structure and function yielded conflicting predictions that this variant is benign or damaging. Based on the available information, we are unable to determine the clinical significance of this variant.

Labcorp Genetics (formerly Invitae), Labcorp
Classification: Uncertain significance for Hereditary breast ovarian cancer syndrome. Last evaluated: 2025-02-17. Review status: criteria provided, single submitter. Criteria: Invitae Variant Classification Sherloc (09022015). Collection method: clinical testing. Allele origin: germline.
Comment: This sequence change replaces serine, which is neutral and polar, with threonine, which is neutral and polar, at codon 879 of the BRCA2 protein (p.Ser879Thr). This variant is not present in population databases (gnomAD no frequency). This missense change has been observed in individual(s) with breast or ovarian cancer (PMID: 21120943). ClinVar contains an entry for this variant (Variation ID: 2451502). Invitae Evidence Modeling of protein sequence and biophysical properties (such as structural, functional, and spatial information, amino acid conservation, physicochemical variation, residue mobility, and thermodynamic stability) indicates that this missense variant is not expected to disrupt BRCA2 protein function with a negative predictive value of 95%. In summary, the available evidence is currently insufficient to determine the role of this variant in disease. Therefore, it has been classified as a Variant of Uncertain Significance.

Ambry Genetics
Classification: Uncertain significance for Hereditary cancer-predisposing syndrome. Last evaluated: 2022-12-08. Review status: criteria provided, single submitter. Criteria: Ambry Variant Classification Scheme 2023. Collection method: clinical testing. Allele origin: germline.
Comment: The p.S879T variant (also known as c.2635T>A), located in coding exon 10 of the BRCA2 gene, results from a T to A substitution at nucleotide position 2635. The serine at codon 879 is replaced by threonine, an amino acid with similar properties. In one study, this variant was observed in 1/1525 unrelated patients who had BRCA1/2 genetic testing due to a personal and/or family history suspicious for Hereditary Breast and/or Ovarian Cancer syndrome (Caux-Moncoutier V et al. Hum Mutat, 2011 Mar;32:325-34). This amino acid position is not well conserved in available vertebrate species. In addition, this alteration is predicted to be tolerated by in silico analysis. Since supporting evidence is limited at this time, the clinical significance of this alteration remains unclear.

Literature cited by the submitters: PubMed 21120943 (cited by 3 submitters); PubMed 33471991 (cited by Quest Diagnostics Nichols Institute San Juan Capistrano).